The following is an entry in ClinVar:

NM_014679.5(CEP57):c.1301A>C (p.Lys434Thr)

Gene: CEP57 (centrosomal protein 57; plus strand). Cytogenetic location: 11q21.
Variant type: single nucleotide variant.
Coding change: c.1301A>C on transcript NM_014679.5 (MANE Select); coding-DNA position 1301, A replaced by C.
Protein change: p.Lys434Thr; replaces lysine 434 with threonine.
Molecular consequence: missense variant.
Genome position (GRCh38, 1-based): chr11:95,831,054, A>C. VCF-style: chr11-95831054-A-C. GRCh37 (hg19) VCF-style: chr11-95564218-A-C.
Other names: c.1274A>C, p.Lys425Thr (NM_001243776.2); c.1223A>C, p.Lys408Thr (NM_001243777.2); c.1220A>C, p.Lys407Thr (NM_001363604.2); c.1301A>C (NM_014679.4); short protein forms K408T, K425T, K434T, K407T.
Identifiers: ClinVar variation 3019549 (VCV003019549.4), dbSNP rs2496351020, ClinGen allele CA382409313.

ClinVar aggregate classification (germline): Uncertain significance. Review status: criteria provided, multiple submitters, no conflicts (2 of 4 stars). 2 submissions from 2 submitters: Uncertain significance (2). Last evaluated 2025-05-17.

Conditions:
Mosaic variegated aneuploidy syndrome 2 (MVA2). Identifiers: Orphanet 1052, MedGen C3279843, MONDO:0013582, OMIM 614114.
Inborn genetic diseases. Identifiers: MedGen C0950123, MeSH D030342.

Submissions (2):

Ambry Genetics
Classification: Uncertain significance for Inborn genetic diseases. Last evaluated: 2025-05-17. Review status: criteria provided, single submitter. Criteria: Ambry Variant Classification Scheme 2023. Collection method: clinical testing. Allele origin: germline.
Comment: The p.K434T variant (also known as c.1301A>C), located in coding exon 11 of the CEP57 gene, results from an A to C substitution at nucleotide position 1301. The lysine at codon 434 is replaced by threonine, an amino acid with similar properties. This amino acid position is conserved. In addition, this alteration is predicted to be tolerated by in silico analysis. Based on the available evidence, the clinical significance of this variant remains unclear.

Labcorp Genetics (formerly Invitae), Labcorp
Classification: Uncertain significance for Mosaic variegated aneuploidy syndrome 2. Last evaluated: 2024-03-12. Review status: criteria provided, single submitter. Criteria: Invitae Variant Classification Sherloc (09022015). Collection method: clinical testing. Allele origin: germline.
Comment: This sequence change replaces lysine, which is basic and polar, with threonine, which is neutral and polar, at codon 434 of the CEP57 protein (p.Lys434Thr). This variant is not present in population databases (gnomAD no frequency). This variant has not been reported in the literature in individuals affected with CEP57-related conditions. Advanced modeling of protein sequence and biophysical properties (such as structural, functional, and spatial information, amino acid conservation, physicochemical variation, residue mobility, and thermodynamic stability) performed at Invitae indicates that this missense variant is not expected to disrupt CEP57 protein function with a negative predictive value of 80%. In summary, the available evidence is currently insufficient to determine the role of this variant in disease. Therefore, it has been classified as a Variant of Uncertain Significance.